The following is an entry in ClinVar:

NM_001369.3(DNAH5):c.4930A>G (p.Ile1644Val)

Genes: DNAH5 (dynein axonemal heavy chain 5; minus strand), LOC126807318 (MED14-independent group 3 enhancer GRCh37_chr5:13858976-13860175; plus strand). Cytogenetic location: 5p15.2.
Variant type: single nucleotide variant.
Coding change: c.4930A>G on transcript NM_001369.3 (MANE Select); coding-DNA position 4930, A replaced by G.
Protein change: p.Ile1644Val; replaces isoleucine 1644 with valine.
Molecular consequence: missense variant.
Genome position (GRCh38, 1-based): chr5:13,859,472, T>C on the plus strand (A>G on the coding strand, the complement: DNAH5 is on the minus strand). VCF-style: chr5-13859472-T-C. GRCh37 (hg19) VCF-style: chr5-13859581-T-C.
Other names: short protein forms I1644V.
Identifiers: ClinVar variation 3365454 (VCV003365454.1).

ClinVar aggregate classification (germline): Uncertain significance (1 of 4 stars; one submission).

gnomAD v4.1: 5 of 1,613,960 alleles (0.00031%); highest among the groups gnomAD compares: Admixed American, 0.0017%; no homozygotes.

Submission:

GeneDx
Classification: Uncertain significance. Last evaluated: 2023-12-21. Review status: criteria provided, single submitter. Criteria: GeneDx Variant Classification Process June 2021. Collection method: clinical testing. Allele origin: germline. Affected: yes.
Comment: In silico analysis supports that this missense variant does not alter protein structure/function; Has not been previously published as pathogenic or benign to our knowledge